The following is an entry in ClinVar:

ClinVar aggregate classification (germline): Uncertain significance (1 of 4 stars; one submission).

Conditions:
Intellectual developmental disorder, X-linked, syndromic 14. Also called: Syndromic X-linked intellectual disability 14. Identifiers: Orphanet 776, MedGen C1970822, MONDO:0010398, OMIM 300676.

Allele frequency attached by ClinVar (database versions not stated): gnomAD exomes below 0.00001; ExAC 0.00002.

Submission:

Labcorp Genetics (formerly Invitae), Labcorp
Classification: Uncertain significance for Intellectual developmental disorder, X-linked, syndromic 14. Last evaluated: 2023-03-01. Review status: criteria provided, single submitter. Criteria: Invitae Variant Classification Sherloc (09022015). Collection method: clinical testing. Allele origin: germline.
Comment: In summary, the available evidence is currently insufficient to determine the role of this variant in disease. Therefore, it has been classified as a Variant of Uncertain Significance. Algorithms developed to predict the effect of sequence changes on RNA splicing suggest that this variant may disrupt the consensus splice site. An algorithm developed to predict the effect of missense changes on protein structure and function (PolyPhen-2) suggests that this variant is likely to be tolerated. This variant has not been reported in the literature in individuals affected with UPF3B-related conditions. This variant is present in population databases (rs746820880, gnomAD 0.006%), including at least one homozygous and/or hemizygous individual. This sequence change replaces asparagine, which is neutral and polar, with serine, which is neutral and polar, at codon 279 of the UPF3B protein (p.Asn279Ser).

NM_080632.3(UPF3B):c.836A>G (p.Asn279Ser)

Gene: UPF3B (UPF3B regulator of nonsense mediated mRNA decay; minus strand). Cytogenetic location: Xq24.
Variant type: single nucleotide variant.
Coding change: c.836A>G on transcript NM_080632.3 (MANE Select); coding-DNA position 836, A replaced by G.
Protein change: p.Asn279Ser; replaces asparagine 279 with serine.
Molecular consequence: missense variant. On other transcripts: intron variant (1).
Genome position (GRCh38, 1-based): chrX:119,840,656, T>C on the plus strand (A>G on the coding strand, the complement: UPF3B is on the minus strand). VCF-style: chrX-119840656-T-C. GRCh37 (hg19) VCF-style: chrX-118974619-T-C.
Other names: c.807+420A>G (NM_023010.4); short protein forms N279S.
Identifiers: ClinVar variation 3006906 (VCV003006906.3), dbSNP rs746820880, ClinGen allele CA10503256.